The following is an entry in ClinVar:

ClinVar aggregate classification (germline): Uncertain significance (1 of 4 stars; one submission).

Submission:

Ambry Genetics
Classification: Uncertain significance. Last evaluated: 2022-05-12. Review status: criteria provided, single submitter. Criteria: Ambry Variant Classification Scheme 2023. Collection method: clinical testing. Allele origin: germline.
Comment: The p.L2374P variant (also known as c.7121T>C), located in coding exon 53 of the PRKDC gene, results from a T to C substitution at nucleotide position 7121. The leucine at codon 2374 is replaced by proline, an amino acid with similar properties. This amino acid position is conserved. Since supporting evidence is limited at this time, the clinical significance of this alteration remains unclear.

NM_006904.7(PRKDC):c.7121T>C (p.Leu2374Pro)

Gene: PRKDC (protein kinase, DNA-activated, catalytic subunit; minus strand). Cytogenetic location: 8q11.21.
Variant type: single nucleotide variant.
Coding change: c.7121T>C on transcript NM_006904.7 (MANE Select); coding-DNA position 7121, T replaced by C.
Protein change: p.Leu2374Pro; replaces leucine 2374 with proline.
Molecular consequence: missense variant.
Genome position (GRCh38, 1-based): chr8:47,849,388, A>G on the plus strand (T>C on the coding strand, the complement: PRKDC is on the minus strand). VCF-style: chr8-47849388-A-G. GRCh37 (hg19) VCF-style: chr8-48761949-A-G.
Other names: c.7121T>C, p.Leu2374Pro (NM_001081640.2); short protein forms L2374P.
Identifiers: ClinVar variation 1757280 (VCV001757280.2), dbSNP rs2551868716, ClinGen allele CA371157803.